The following is an entry in ClinVar:

NM_004408.4(DNM1):c.849G>A (p.Gln283=)

Gene: DNM1 (dynamin 1; plus strand). Cytogenetic location: 9q34.11.
Variant type: single nucleotide variant.
Coding change: c.849G>A on transcript NM_004408.4 (MANE Select); coding-DNA position 849, G replaced by A.
Protein change: p.Gln283=; no amino-acid change (glutamine 283 retained).
Molecular consequence: synonymous variant.
Genome position (GRCh38, 1-based): chr9:128,220,341, G>A. VCF-style: chr9-128220341-G-A. GRCh37 (hg19) VCF-style: chr9-130982620-G-A.
Other names: c.849G>A, p.Gln283= (NM_001005336.3, NM_001288737.2, NM_001288738.2 and 2 more transcripts).
Identifiers: ClinVar variation 3650185 (VCV003650185.2).

ClinVar aggregate classification (germline): Uncertain significance (1 of 4 stars; one submission).

Conditions:
Developmental and epileptic encephalopathy, 31A. Also called: Epileptic encephalopathy, early infantile, 31; Developmental and epileptic encephalopathy, 31. Identifiers: Orphanet 2382, MedGen C4225357, MONDO:0014598, OMIM 616346.

Submission:

Labcorp Genetics (formerly Invitae), Labcorp
Classification: Uncertain significance for Developmental and epileptic encephalopathy, 31A. Last evaluated: 2024-04-17. Review status: criteria provided, single submitter. Criteria: Invitae Variant Classification Sherloc (09022015). Collection method: clinical testing. Allele origin: germline.
Comment: This sequence change affects codon 283 of the DNM1 mRNA. It is a 'silent' change, meaning that it does not change the encoded amino acid sequence of the DNM1 protein. This variant also falls at the last nucleotide of exon 6, which is part of the consensus splice site for this exon. This variant is not present in population databases (gnomAD no frequency). This variant has not been reported in the literature in individuals affected with DNM1-related conditions. Variants that disrupt the consensus splice site are a relatively common cause of aberrant splicing (PMID: 17576681, 9536098). Algorithms developed to predict the effect of sequence changes on RNA splicing suggest that this variant is not likely to affect RNA splicing. In summary, the available evidence is currently insufficient to determine the role of this variant in disease. Therefore, it has been classified as a Variant of Uncertain Significance.

Literature cited by the submitters: PubMed 17576681; PubMed 9536098.